The following is an entry in ClinVar:

NM_130837.3(OPA1):c.104T>C (p.Leu35Pro)

Gene: OPA1 (OPA1 mitochondrial dynamin like GTPase; plus strand). Cytogenetic location: 3q29.
Variant type: single nucleotide variant.
Coding change: c.104T>C on transcript NM_130837.3 (MANE Select); coding-DNA position 104, T replaced by C.
Protein change: p.Leu35Pro; replaces leucine 35 with proline.
Molecular consequence: missense variant. On other transcripts: 5 prime UTR variant (2).
Genome position (GRCh38, 1-based): chr3:193,614,794, T>C. VCF-style: chr3-193614794-T-C. GRCh37 (hg19) VCF-style: chr3-193332583-T-C.
Other names: c.-269T>C (NM_001354663.2, NM_001354664.2); c.104T>C, p.Leu35Pro (NM_015560.3, NM_130831.3, NM_130832.3 and 4 more transcripts); short protein forms L35P.
Identifiers: ClinVar variation 2048454 (VCV002048454.4), dbSNP rs757398708, ClinGen allele CA90567008.

ClinVar aggregate classification (germline): Uncertain significance (1 of 4 stars; one submission).

Submission:

Labcorp Genetics (formerly Invitae), Labcorp
Classification: Uncertain significance. Last evaluated: 2021-12-19. Review status: criteria provided, single submitter. Criteria: Invitae Variant Classification Sherloc (09022015). Collection method: clinical testing. Allele origin: germline.
Comment: This variant is not present in population databases (gnomAD no frequency). In summary, the available evidence is currently insufficient to determine the role of this variant in disease. Therefore, it has been classified as a Variant of Uncertain Significance. Advanced modeling of protein sequence and biophysical properties (such as structural, functional, and spatial information, amino acid conservation, physicochemical variation, residue mobility, and thermodynamic stability) performed at Invitae indicates that this missense variant is not expected to disrupt OPA1 protein function. This variant has not been reported in the literature in individuals affected with OPA1-related conditions. This sequence change replaces leucine, which is neutral and non-polar, with proline, which is neutral and non-polar, at codon 35 of the OPA1 protein (p.Leu35Pro).